The following is an entry in ClinVar:

ClinVar aggregate classification (germline): Uncertain significance. Review status: criteria provided, multiple submitters, no conflicts (2 of 4 stars). 2 submissions from 2 submitters: Uncertain significance (2). Last evaluated 2025-03-18.

Conditions:
Cardiovascular phenotype. Identifiers: MedGen CN230736.

Submissions (2):

Ambry Genetics
Classification: Uncertain significance for Cardiovascular phenotype. Last evaluated: 2025-03-18. Review status: criteria provided, single submitter. Criteria: Ambry Variant Classification Scheme 2023. Collection method: clinical testing. Allele origin: germline.
Comment: The p.N179K variant (also known as c.537T>G), located in coding exon 3 of the CYP27A1 gene, results from a T to G substitution at nucleotide position 537. The asparagine at codon 179 is replaced by lysine, an amino acid with similar properties. This amino acid position is conserved. In addition, this alteration is predicted to be tolerated by in silico analysis. Based on the available evidence, the clinical significance of this variant remains unclear.

Blueprint Genetics
Classification: Uncertain significance. Last evaluated: 2024-09-25. Review status: criteria provided, single submitter. Criteria: ACMG Guidelines, 2015. Collection method: clinical testing. Allele origin: germline.

NM_000784.4(CYP27A1):c.537T>G (p.Asn179Lys)

Gene: CYP27A1 (cytochrome P450 family 27 subfamily A member 1; plus strand). Cytogenetic location: 2q35.
Variant type: single nucleotide variant.
Coding change: c.537T>G on transcript NM_000784.4 (MANE Select); coding-DNA position 537, T replaced by G.
Protein change: p.Asn179Lys; replaces asparagine 179 with lysine.
Molecular consequence: missense variant.
Genome position (GRCh38, 1-based): chr2:218,812,312, T>G. VCF-style: chr2-218812312-T-G. GRCh37 (hg19) VCF-style: chr2-219677035-T-G.
Other names: short protein forms N179K.
Identifiers: ClinVar variation 4008771 (VCV004008771.2).
Genomic context (GRCh38, chr2:218,812,312, plus strand): 5'-GGCTCTGAACCAGCGGTTGCTGAAGCCAGCGGAAGCAGCGCTCTATACGGATGCTTTCAA[T>G]GAGGTGATTGATGACTTTATGACTCGACTGGACCAGCTGCGGGCAGAGAGTGCTTCGGGG-3'
Protein context (NP_000775.1, residues 169-189): AEAALYTDAF[Asn179Lys]EVIDDFMTRL